The following is an entry in ClinVar:

NM_001142800.2(EYS):c.9137A>G (p.His3046Arg)

Genes: EYS (EGF-like photoreceptor maintenance factor; minus strand), PHF3 (PHD finger protein 3; plus strand). Cytogenetic location: 6q12.
Variant type: single nucleotide variant.
Coding change: c.9137A>G on transcript NM_001142800.2 (MANE Select); coding-DNA position 9137, A replaced by G.
Protein change: p.His3046Arg; replaces histidine 3046 with arginine.
Molecular consequence: missense variant. On other transcripts: 3 prime UTR variant (5).
Genome position (GRCh38, 1-based): chr6:63,720,894, T>C on the plus strand (A>G on the coding strand, the complement: EYS is on the minus strand). VCF-style: chr6-63720894-T-C. GRCh37 (hg19) VCF-style: chr6-64430790-T-C.
Other names: c.*7186T>C (NM_001290259.2, NM_001370348.2, NM_001370349.2 and 2 more transcripts); c.9200A>G, p.His3067Arg (NM_001292009.2); short protein forms H3067R, H3046R.
Identifiers: ClinVar variation 841811 (VCV000841811.7), dbSNP rs557682714, ClinGen allele CA140236794.

ClinVar aggregate classification (germline): Uncertain significance. Review status: criteria provided, multiple submitters, no conflicts (2 of 4 stars). 4 submissions from 4 submitters: Uncertain significance (3). 1 of the submissions does not count toward it. Last evaluated 2026-01-05.

Conditions:
Inborn genetic diseases. Identifiers: MedGen C0950123, MeSH D030342.
Autosomal recessive retinitis pigmentosa. Identifiers: MedGen C0339526.

Allele frequency attached by ClinVar (database versions not stated): TOPMed below 0.00001; gnomAD 0.00001; gnomAD exomes 0.00001.
gnomAD v4.1: 8 of 1,550,904 alleles (0.00052%); highest among the groups gnomAD compares: Middle Eastern, 0.033%; no homozygotes.

Submissions (4):

Labcorp Genetics (formerly Invitae), Labcorp
Classification: Uncertain significance. Last evaluated: 2026-01-05. Review status: criteria provided, single submitter. Criteria: Invitae Variant Classification Sherloc (09022015). Collection method: clinical testing. Allele origin: germline.
Comment: This sequence change replaces histidine, which is basic and polar, with arginine, which is basic and polar, at codon 3046 of the EYS protein (p.His3046Arg). This variant is present in population databases (rs557682714, gnomAD 0.004%). This missense change has been observed in individual(s) with maculopathy (PMID: 37798099). ClinVar contains an entry for this variant (Variation ID: 841811). Invitae Evidence Modeling of protein sequence and biophysical properties (such as structural, functional, and spatial information, amino acid conservation, physicochemical variation, residue mobility, and thermodynamic stability) indicates that this missense variant is expected to disrupt EYS protein function with a positive predictive value of 80%. In summary, the available evidence is currently insufficient to determine the role of this variant in disease. Therefore, it has been classified as a Variant of Uncertain Significance.

Women's Health and Genetics/Laboratory Corporation of America, LabCorp
Classification: Uncertain significance. Last evaluated: 2024-12-20. Review status: criteria provided, single submitter. Criteria: LabCorp Variant Classification Summary - May 2015. Collection method: clinical testing. Allele origin: germline.
Comment: Variant summary: EYS c.9137A>G (p.His3046Arg) results in a non-conservative amino acid change located in the Laminin G domain of the encoded protein sequence. Two of four in-silico tools predict a benign effect of the variant on protein function. The variant allele was found at a frequency of 1.3e-05 in 156664 control chromosomes. The available data on variant occurrences in the general population are insufficient to allow any conclusion about variant significance. c.9137A>G has been reported in the literature in at-least one individual affected with Retinal disease (Hayman_2024). These report(s) do not provide unequivocal conclusions about association of the variant with Retinitis Pigmentosa. To our knowledge, no experimental evidence demonstrating an impact on protein function has been reported. The following publication has been ascertained in the context of this evaluation (PMID: 37798099). ClinVar contains an entry for this variant (Variation ID: 841811). Based on the evidence outlined above, the variant was classified as uncertain significance.

Ambry Genetics
Classification: Uncertain significance for Inborn genetic diseases. Last evaluated: 2024-12-16. Review status: criteria provided, single submitter. Criteria: Ambry Variant Classification Scheme 2023. Collection method: clinical testing. Allele origin: germline.

Natera, Inc.
Classification: Uncertain significance for Autosomal recessive retinitis pigmentosa. Last evaluated: 2020-09-16. Review status: no assertion criteria provided. Collection method: clinical testing. Allele origin: germline. Not counted in ClinVar's aggregate classification.

Literature cited by the submitters: PubMed 37798099 (cited by Labcorp Genetics (formerly Invitae), Labcorp and Women's Health and Genetics/Laboratory Corporation of America, LabCorp).